The following is an entry in ClinVar:

NM_000384.3(APOB):c.4830G>T (p.Arg1610Ser)

Gene: APOB (apolipoprotein B; minus strand). Cytogenetic location: 2p24.1.
Variant type: single nucleotide variant.
Coding change: c.4830G>T on transcript NM_000384.3 (MANE Select); coding-DNA position 4830, G replaced by T.
Protein change: p.Arg1610Ser; replaces arginine 1610 with serine.
Molecular consequence: missense variant.
Genome position (GRCh38, 1-based): chr2:21,012,038, C>A on the plus strand (G>T on the coding strand, the complement: APOB is on the minus strand). VCF-style: chr2-21012038-C-A. GRCh37 (hg19) VCF-style: chr2-21234910-C-A.
Other names: short protein forms R1610S.
Identifiers: ClinVar variation 921515 (VCV000921515.10), dbSNP rs977664488, ClinGen allele CA43507722.

ClinVar aggregate classification (germline): Conflicting classifications of pathogenicity. Review status: criteria provided, conflicting classifications (1 of 4 stars). 3 submissions from 3 submitters: Uncertain significance (2); Likely benign (1). Last evaluated 2025-09-03.

Conditions:
Familial hypobetalipoproteinemia 1. Also called: Hypobetalipoproteinemia, normotriglyceridemic; Acanthocytosis with hypobetalipoproteinemia; APOB-Related Familial Hypobetalipoproteinemia. Identifiers: MedGen C4551990, MONDO:0014252, OMIM 615558.
Hypercholesterolemia, autosomal dominant, type B (FHCL2). Also called: Familial Hypercholesterolemia Type B; HYPERCHOLESTEROLEMIA, FAMILIAL, DUE TO LIGAND-DEFECTIVE APOLIPOPROTEIN B; Familial hypercholesterolemia 2; APOB-Related Familial Hypercholesterolemia, Autosomal Dominant; APOLIPOPROTEIN B-100, FAMILIAL DEFECTIVE; APOLIPOPROTEIN B-100, FAMILIAL LIGAND-DEFECTIVE. Identifiers: MedGen C1704417, MONDO:0007751, OMIM 144010.
Cardiovascular phenotype. Identifiers: MedGen CN230736.

Allele frequency attached by ClinVar (database versions not stated): gnomAD exomes below 0.00001; TOPMed 0.00002.
gnomAD v4.1: 5 of 1,614,198 alleles (0.00031%); highest among the groups gnomAD compares: Admixed American, 0.0017%; no homozygotes.

Submissions (3):

Labcorp Genetics (formerly Invitae), Labcorp
Classification: Likely benign for Familial hypobetalipoproteinemia 1; Hypercholesterolemia, autosomal dominant, type B. Last evaluated: 2025-09-03. Review status: criteria provided, single submitter. Criteria: Invitae Variant Classification Sherloc (09022015). Collection method: clinical testing. Allele origin: germline.

GeneDx
Classification: Uncertain significance. Last evaluated: 2025-08-06. Review status: criteria provided, single submitter. Criteria: GeneDx Variant Classification Process June 2021. Collection method: clinical testing. Allele origin: germline. Affected: yes.
Comment: Not observed at significant frequency in large population cohorts (gnomAD); In silico analysis supports that this missense variant has a deleterious effect on protein structure/function; Has not been previously published as pathogenic or benign to our knowledge

Ambry Genetics
Classification: Uncertain significance for Cardiovascular phenotype. Last evaluated: 2022-04-01. Review status: criteria provided, single submitter. Criteria: Ambry Variant Classification Scheme 2023. Collection method: clinical testing. Allele origin: germline.
Comment: The p.R1610S variant (also known as c.4830G>T), located in coding exon 26 of the APOB gene, results from a G to T substitution at nucleotide position 4830. The arginine at codon 1610 is replaced by serine, an amino acid with dissimilar properties. This amino acid position is conserved. In addition, this alteration is predicted to be tolerated by in silico analysis. Since supporting evidence is limited at this time, the clinical significance of this alteration remains unclear.